The following is an entry in ClinVar:

ClinVar aggregate classification (germline): Uncertain significance (1 of 4 stars; one submission).

Conditions:
Hereditary cancer-predisposing syndrome. Also called: Hereditary Cancer Syndrome; Hereditary neoplastic syndrome; Neoplastic Syndromes, Hereditary; Tumor predisposition. Identifiers: Orphanet 140162, MedGen C0027672, MeSH D009386, MONDO:0015356.

Submission:

Ambry Genetics
Classification: Uncertain significance for Hereditary cancer-predisposing syndrome. Last evaluated: 2020-05-21. Review status: criteria provided, single submitter. Criteria: Ambry Variant Classification Scheme 2023. Collection method: clinical testing. Allele origin: germline.
Comment: The p.V157M variant (also known as c.469G>A) is located in coding exon 4 of the CTNNA1 gene. The valine at codon 157 is replaced by methionine, an amino acid with highly similar properties. This change occurs in the first base pair of coding exon 4. This amino acid position is highly conserved in available vertebrate species. In addition, this alteration is predicted to be deleterious by in silico analysis. Since supporting evidence is limited at this time, the clinical significance of this alteration remains unclear.

NM_001903.5(CTNNA1):c.469G>A (p.Val157Met)

Gene: CTNNA1 (catenin alpha 1; plus strand). Cytogenetic location: 5q31.2.
Variant type: single nucleotide variant.
Coding change: c.469G>A on transcript NM_001903.5 (MANE Select); coding-DNA position 469, G replaced by A.
Protein change: p.Val157Met; replaces valine 157 with methionine.
Molecular consequence: missense variant.
Genome position (GRCh38, 1-based): chr5:138,812,183, G>A. VCF-style: chr5-138812183-G-A. GRCh37 (hg19) VCF-style: chr5-138147872-G-A.
Other names: c.469G>A, p.Val157Met (NM_001290307.3, NM_001323982.2, NM_001323983.1 and 3 more transcripts); c.160G>A, p.Val54Met (NM_001290309.3); c.100G>A, p.Val34Met (NM_001290310.3); short protein forms V157M, V54M, V34M.
Identifiers: ClinVar variation 1742515 (VCV001742515.2), dbSNP rs2532348195, ClinGen allele CA361124804.